The following is an entry in ClinVar:

NM_000143.4(FH):c.431G>C (p.Gly144Ala)

Gene: FH (fumarate hydratase; minus strand). Cytogenetic location: 1q43.
Variant type: single nucleotide variant.
Coding change: c.431G>C on transcript NM_000143.4 (MANE Select); coding-DNA position 431, G replaced by C.
Protein change: p.Gly144Ala; replaces glycine 144 with alanine.
Molecular consequence: missense variant.
Genome position (GRCh38, 1-based): chr1:241,512,091, C>G on the plus strand (G>C on the coding strand, the complement: FH is on the minus strand). VCF-style: chr1-241512091-C-G. GRCh37 (hg19) VCF-style: chr1-241675391-C-G.
Other names: short protein forms G144A.
Identifiers: ClinVar variation 1739690 (VCV001739690.3), dbSNP rs1057521425, ClinGen allele CA345440118.

ClinVar aggregate classification (germline): Conflicting classifications of pathogenicity. Review status: criteria provided, conflicting classifications (1 of 4 stars). 2 submissions from 2 submitters: Pathogenic (1); Uncertain significance (1). Last evaluated 2024-12-26.

Conditions:
Hereditary cancer-predisposing syndrome. Also called: Hereditary Cancer Syndrome; Hereditary neoplastic syndrome; Neoplastic Syndromes, Hereditary; Tumor predisposition. Identifiers: Orphanet 140162, MedGen C0027672, MeSH D009386, MONDO:0015356.

Submissions (2):

Women's Health and Genetics/Laboratory Corporation of America, LabCorp
Classification: Uncertain significance. Last evaluated: 2024-12-26. Review status: criteria provided, single submitter. Criteria: LabCorp Variant Classification Summary - May 2015. Collection method: clinical testing. Allele origin: germline.
Comment: Variant summary: FH c.431G>C (p.Gly144Ala) results in a non-conservative amino acid change in the encoded protein sequence. Five of five in-silico tools predict a damaging effect of the variant on protein function. The variant was absent in 251072 control chromosomes. The available data on variant occurrences in the general population are insufficient to allow any conclusion about variant significance. c.431G>C has been reported in the literature in individuals affected with renal cell carcinoma. These data do not allow any conclusion about variant significance. To our knowledge, no experimental evidence demonstrating an impact on protein function has been reported. The following publication have been ascertained in the context of this evaluation (PMID: 32376712). ClinVar contains an entry for this variant (Variation ID: 1739690). Based on the evidence outlined above, the variant was classified as uncertain significance.

Ambry Genetics
Classification: Pathogenic for Hereditary cancer-predisposing syndrome. Last evaluated: 2022-03-08. Review status: criteria provided, single submitter. Criteria: Ambry Variant Classification Scheme 2023. Collection method: clinical testing. Allele origin: germline.
Comment: The p.G144A pathogenic mutation (also known as c.431G>C), located in coding exon 4 of the FH gene, results from a G to C substitution at nucleotide position 431. The glycine at codon 144 is replaced by alanine, an amino acid with similar properties. This alteration has been detected in patients with a personal and/or family history that is consistent with FH-associated disease and whose tumors demonstrated loss of FH staining by immunohistochemistry and/or somatic loss of heterozygosity of FH (Ambry internal data; Furuya M et al. J Clin Pathol, 2020 Dec;73:819-825). Based on internal structural assessment, this alteration results in destabilization of the FH complex, near the substrate binding site (Ajalla Aleixo MA et al. FEBS J, 2019 05;286:1925-1940). This variant is considered to be rare based on population cohorts in the Genome Aggregation Database (gnomAD). This amino acid position is highly conserved in available vertebrate species. In addition, this alteration is predicted to be deleterious by in silico analysis. Based on the supporting evidence, this alteration is interpreted as a disease-causing mutation.

Literature cited by the submitters: PubMed 32376712 (cited by Women's Health and Genetics/Laboratory Corporation of America, LabCorp and Ambry Genetics); PubMed 30761759 (cited by Ambry Genetics).